The following is an entry in ClinVar:

ClinVar aggregate classification (germline): Uncertain significance (1 of 4 stars; one submission).

Submission:

GeneDx
Classification: Uncertain significance. Last evaluated: 2023-12-21. Review status: criteria provided, single submitter. Criteria: GeneDx Variant Classification Process June 2021. Collection method: clinical testing. Allele origin: germline. Affected: yes.
Comment: Not observed at significant frequency in large population cohorts (gnomAD); In silico analysis supports that this missense variant has a deleterious effect on protein structure/function; Has not been previously published as pathogenic or benign to our knowledge

NM_006421.5(ARFGEF1):c.5440G>A (p.Asp1814Asn)

Gene: ARFGEF1 (ARF guanine nucleotide exchange factor 1; minus strand). Cytogenetic location: 8q13.2.
Variant type: single nucleotide variant.
Coding change: c.5440G>A on transcript NM_006421.5 (MANE Select); coding-DNA position 5440, G replaced by A.
Protein change: p.Asp1814Asn; replaces aspartic acid 1814 with asparagine.
Molecular consequence: missense variant. On other transcripts: non-coding transcript variant (1), intron variant (2).
Genome position (GRCh38, 1-based): chr8:67,199,044, C>T on the plus strand (G>A on the coding strand, the complement: ARFGEF1 is on the minus strand). VCF-style: chr8-67199044-C-T. GRCh37 (hg19) VCF-style: chr8-68111279-C-T.
Other names: c.5440G>A, p.Asp1814Asn (NM_001413184.1); c.5422G>A, p.Asp1808Asn (NM_001413185.1, NM_001413189.1); c.4840G>A, p.Asp1614Asn (NM_001413188.1, NM_001413197.1); c.5434G>A, p.Asp1812Asn (NM_001413190.1); c.5344G>A, p.Asp1782Asn (NM_001413191.1); c.5326G>A, p.Asp1776Asn (NM_001413192.1); c.4015G>A, p.Asp1339Asn (NM_001413196.1); c.5367+1352G>A (NM_001413186.1); and 1 more; short protein forms D1339N, D1614N, D1776N, D1782N, D1808N, D1812N, D1814N.
Identifiers: ClinVar variation 3370005 (VCV003370005.1).